The following is an entry in ClinVar:

ClinVar aggregate classification (germline): Uncertain significance (1 of 4 stars; one submission).

Submission:

Labcorp Genetics (formerly Invitae), Labcorp
Classification: Uncertain significance. Last evaluated: 2025-08-06. Review status: criteria provided, single submitter. Criteria: Invitae Variant Classification Sherloc (09022015). Collection method: clinical testing. Allele origin: germline.
Comment: This sequence change replaces glycine, which is neutral and non-polar, with alanine, which is neutral and non-polar, at codon 69 of the LIPG protein (p.Gly69Ala). This variant is not present in population databases (gnomAD no frequency). This variant has not been reported in the literature in individuals affected with LIPG-related conditions. An algorithm developed to predict the effect of missense changes on protein structure and function (PolyPhen-2) suggests that this variant is likely to be disruptive. In summary, the available evidence is currently insufficient to determine the role of this variant in disease. Therefore, it has been classified as a Variant of Uncertain Significance.

NM_006033.4(LIPG):c.206G>C (p.Gly69Ala)

Gene: LIPG (lipase G, endothelial type; plus strand). Cytogenetic location: 18q21.1.
Variant type: single nucleotide variant.
Coding change: c.206G>C on transcript NM_006033.4 (MANE Select); coding-DNA position 206, G replaced by C.
Protein change: p.Gly69Ala; replaces glycine 69 with alanine.
Molecular consequence: missense variant.
Genome position (GRCh38, 1-based): chr18:49,565,425, G>C. VCF-style: chr18-49565425-G-C. GRCh37 (hg19) VCF-style: chr18-47091795-G-C.
Other names: c.206G>C, p.Gly69Ala (NM_001308006.2); short protein forms G69A.
Identifiers: ClinVar variation 4724961 (VCV004724961.1).
Genomic context (GRCh38, chr18:49,565,425, plus strand): 5'-TGAGGTTTAACCTCCGCACCTCCAAGGACCCAGAGCATGAAGGATGCTACCTCTCCGTCG[G>C]CCACAGCCAGCCCTTAGAAGACTGCAGTTTCAACATGACAGCTAAAACCTTTTTCATCAT-3'
Protein context (NP_006024.1, residues 59-79): PEHEGCYLSV[Gly69Ala]HSQPLEDCSF